The following is an entry in ClinVar:

NM_032043.3(BRIP1):c.561del (p.Asp188fs)

Gene: BRIP1 (BRCA1 interacting DNA helicase 1; minus strand). Cytogenetic location: 17q23.2.
Variant type: Deletion.
Coding change: c.561del on transcript NM_032043.3 (MANE Select); coding-DNA position 561, one base deleted (T; older notation c.561delT).
Protein change: p.Asp188fs; shifts the reading frame from aspartic acid 188.
Molecular consequence: frameshift variant.
Genome position (GRCh38, 1-based): chr17:61,847,167, A deleted on the plus strand (T on the coding strand, the reverse complement: BRIP1 is on the minus strand); the first of 2 consecutive A bases (chr17:61,847,167-61,847,168); deleting either gives the same sequence. VCF-style (leftmost placement, unchanged base first): chr17-61847166-CA-C. GRCh37 (hg19) VCF-style: chr17-59924527-CA-C.
Other names: short protein forms D188fs.
Identifiers: ClinVar variation 2583564 (VCV002583564.2), dbSNP rs2545406515, ClinGen allele CA2582342229.
Genomic context (GRCh38, chr17:61,847,166, plus strand): 5'-GTGGCGAAAAGGAGTTTATCTTTTCCAGTGGAGAGTTGAGTTTTACAGTCTTTCCTGAAT[CA>C]ACTTTTGCATCCAAATTGTGTACTTCTGTTCCAAAGCAATGACGTTTTCTAATCTGTAAA-3'

ClinVar aggregate classification (germline): Pathogenic (1 of 4 stars; one submission).

Conditions:
Familial cancer of breast. Also called: Hereditary breast cancer; BREAST CANCER, FAMILIAL; hereditary breast carcinoma. Identifiers: Orphanet 227535, MedGen C0346153, MONDO:0016419, OMIM 114480. Disease mechanism: loss of function.

Submission:

Myriad Genetics, Inc.
Classification: Pathogenic for Familial cancer of breast. Last evaluated: 2023-05-31. Review status: criteria provided, single submitter. Criteria: Myriad Autosomal Dominant, Autosomal Recessive and X-Linked Classification Criteria (2023). Collection method: clinical testing. Allele origin: unknown.
Comment: This variant is considered pathogenic. This variant creates a frameshift predicted to result in premature protein truncation.